The following is an entry in ClinVar:

ClinVar aggregate classification (germline): Conflicting classifications of pathogenicity. Review status: criteria provided, conflicting classifications (1 of 4 stars). 14 submissions from 14 submitters: Uncertain significance (2); Likely benign (10). 2 of the submissions do not count toward it. Last evaluated 2025-12-17.

Conditions:
Hereditary cancer-predisposing syndrome. Also called: Tumor predisposition; Neoplastic Syndromes, Hereditary; Hereditary neoplastic syndrome; Hereditary Cancer Syndrome. Identifiers: Orphanet 140162, MedGen C0027672, MeSH D009386, MONDO:0015356.
Hereditary breast ovarian cancer syndrome. Also called: Hereditary breast and ovarian cancer; Hereditary breast and ovarian cancer syndrome (HBOC); Hereditary breast and ovarian cancer syndrome; BRCA1- and BRCA2-Associated Hereditary Breast and Ovarian Cancer; Breast and ovarian cancer; Hereditary breast and/or ovarian cancer syndrome. Identifiers: Orphanet 145, MedGen C0677776, MeSH D061325, MONDO:0003582. Disease mechanism: loss of function.
Breast-ovarian cancer, familial, susceptibility to, 2 (BROVCA2). Also called: BRCA2 Hereditary Breast and Ovarian Cancer. Identifiers: Orphanet 145, MedGen C2675520, MONDO:0012933, OMIM 612555. Disease mechanism: loss of function.
Malignant tumor of breast. Also called: Malignant breast neoplasm; Cancer breast. Identifiers: MedGen C0006142, MONDO:0007254. Disease mechanism: loss of function.

Allele frequency attached by ClinVar (database versions not stated): gnomAD 0.00001; gnomAD exomes 0.00005 and 0.00010; TOPMed below 0.00001; ExAC 0.00010; 1000 Genomes Project 30x 0.00016; 1000 Genomes Project 0.00020.
gnomAD v4.1: 69 of 1,604,154 alleles (0.0043%); highest among the groups gnomAD compares: South Asian, 0.075%; no homozygotes.

Submissions (14):

Labcorp Genetics (formerly Invitae), Labcorp
Classification: Likely benign for Hereditary breast ovarian cancer syndrome. Last evaluated: 2025-12-17. Review status: criteria provided, single submitter. Criteria: Invitae Variant Classification Sherloc (09022015). Collection method: clinical testing. Allele origin: germline.

KCCC/NGS Laboratory, Kuwait Cancer Control Center
Classification: Uncertain significance for Breast-ovarian cancer, familial, susceptibility to, 2. Last evaluated: 2023-06-06. Review status: criteria provided, single submitter. Criteria: ACMG Guidelines, 2015. Collection method: clinical testing. Allele origin: germline. Affected: yes.
Comment: a point mutation in the BRCA2 gene (c.2488A>G) which results in the substitution of aspartate for asparagine at position 830. This mutation is considered as a variant of unknown significance.

Quest Diagnostics Nichols Institute San Juan Capistrano
Classification: Likely benign. Last evaluated: 2023-05-09. Review status: criteria provided, single submitter. Criteria: Quest Diagnostics criteria. Collection method: clinical testing. Allele origin: unknown.

University of Washington Department of Laboratory Medicine, University of Washington
Classification: Likely benign for Hereditary cancer-predisposing syndrome. Last evaluated: 2023-03-23. Review status: criteria provided, single submitter. Criteria: Dines et al. (Genet Med. 2020). Collection method: curation. Allele origin: germline.
Comment: Missense variant in a coldspot region where missense variants are very unlikely to be pathogenic (PMID:31911673).

BRCA2 exon 11 coldspot. Reclassification based on statistical prior probability.

National Health Laboratory Service, Universitas Academic Hospital and University of the Free State
Classification: Likely benign for Hereditary breast ovarian cancer syndrome. Last evaluated: 2022-04-19. Review status: criteria provided, single submitter. Criteria: ACMG Guidelines, 2015. Collection method: clinical testing. Allele origin: germline. Affected: yes. Observed: 3 variant alleles.

Sema4
Classification: Likely benign for Hereditary cancer-predisposing syndrome. Last evaluated: 2022-03-17. Review status: criteria provided, single submitter. Criteria: Sema4 Curation Guidelines. Collection method: curation. Allele origin: germline.

Genetics and Molecular Pathology, SA Pathology
Classification: Likely benign for Breast-ovarian cancer, familial, susceptibility to, 2. Last evaluated: 2021-05-27. Review status: criteria provided, single submitter. Criteria: ACMG Guidelines, 2015. Collection method: clinical testing. Allele origin: germline. Inheritance: Autosomal dominant inheritance. Affected: yes.
Comment: The BRCA2 c.2488A>G variant is classified as Likely Benign (BS1, BS3_Supporting, BP4) Exon 11 in BRCA1 is regarded as a “cold spot” and therefore does not support a pathogenic role for missense variants in this region of the gene (Dines et al., 2020 PMID: 31911673) (BP4).

GeneDx
Classification: Likely benign. Last evaluated: 2020-11-27. Review status: criteria provided, single submitter. Criteria: GeneDx Variant Classification Process June 2021. Collection method: clinical testing. Allele origin: germline. Affected: yes.
Comment: This variant is associated with the following publications: (PMID: 23929434, 26225655)

Color Diagnostics, LLC DBA Color Health
Classification: Likely benign for Hereditary cancer-predisposing syndrome. Last evaluated: 2020-01-21. Review status: criteria provided, single submitter. Criteria: ACMG Guidelines, 2015. Collection method: clinical testing. Allele origin: germline.

Women's Health and Genetics/Laboratory Corporation of America, LabCorp
Classification: Likely benign. Last evaluated: 2019-10-04. Review status: criteria provided, single submitter. Criteria: LabCorp Variant Classification Summary - May 2015. Collection method: clinical testing. Allele origin: germline.
Comment: Variant summary: BRCA2 c.2488A>G (p.Asn830Asp) results in a conservative amino acid change in the encoded protein sequence. Five of five in-silico tools predict a benign effect of the variant on protein function. The variant allele was found at a frequency of 0.0001 in 240576 control chromosomes, predominantly at a frequency of 0.00087 within the South Asian subpopulation in the gnomAD database. The observed variant frequency within South Asian control individuals in the gnomAD database is approximately 1.2 fold of the estimated maximal expected allele frequency for a pathogenic variant in BRCA2 causing Hereditary Breast and Ovarian Cancer phenotype (0.00075), strongly suggesting that the variant is a benign polymorphism found primarily in populations of South Asian origin. c.2488A>G has been reported in the literature in individuals affected with Hereditary Breast and Ovarian Cancer (Rajkumar_2015, Tung_2015). These report(s) do not provide unequivocal conclusions about association of the variant with Hereditary Breast and Ovarian Cancer. Co-occurrences with other pathogenic variant(s) have been reported (BRCA2 c.7007G>A, p.Arg2336His) at our laboratory, providing supporting evidence for a benign role. To our knowledge, no experimental evidence demonstrating an impact on protein function has been reported. Four clinical diagnostic laboratories have submitted clinical-significance assessments for this variant to ClinVar after 2014 without evidence for independent evaluation (likely benign, n=1, and VUS, n=3). Based on the evidence outlined above, the variant was classified as likely benign.

Ambry Genetics
Classification: Likely benign for Hereditary cancer-predisposing syndrome. Last evaluated: 2018-05-24. Review status: criteria provided, single submitter. Criteria: Ambry Variant Classification Scheme 2023. Collection method: clinical testing. Allele origin: germline.

Molecular Endocrinology Laboratory, Christian Medical College
Classification: Uncertain significance for Breast-ovarian cancer, familial, susceptibility to, 2. Review status: criteria provided, single submitter. Criteria: ACMG Guidelines, 2015. Collection method: clinical testing. Allele origin: germline. Affected: yes.

Counsyl
Classification: Uncertain significance for Breast-ovarian cancer, familial, susceptibility to, 2. Last evaluated: 2017-10-25. Review status: no assertion criteria provided. Collection method: clinical testing. Allele origin: unknown. Not counted in ClinVar's aggregate classification.

Department of Pathology and Laboratory Medicine, Sinai Health System
Classification: Likely benign for Malignant tumor of breast. Review status: no assertion criteria provided. Collection method: clinical testing. Allele origin: unknown. Affected: yes. Observed: 1 variant allele. Study: The Canadian Open Genetics Repository (COGR). Not counted in ClinVar's aggregate classification.
Comment: The BRCA2 p.Asn830Asp variant was identified in 2 of 3744 proband chromosomes (frequency: 0.0005) from individuals or families with breast or ovarian cancer (Tung 2015, Rajkumar 2015). The variant was also identified in dbSNP (ID: rs574039421) as "With Uncertain significance allele", ClinVar (classified as likely benign by GeneDx; as uncertain significance by Invitae, Ambry Genetics, Color and Counsyl), and in UMD-LSDB (1x as unclassified variant). The variant was not identified in COGR, Cosmic, MutDB, LOVD 3.0, BIC Database, ARUP Laboratories, or Zhejiang University, databases. The variant was identified in control databases in 25 of 235966 chromosomes at a frequency of 0.0001 (Genome Aggregation Database Feb 27, 2017). The variant was observed in the South Asian population in 25 of 27740 chromosomes (freq: 0.0009), but not in the African, Other, Latino, European, Ashkenazi Jewish, East Asian, or Finnish populations. The p.Asn830 residue is not conserved in mammals and computational analyses (PolyPhen-2, SIFT, AlignGVGD, BLOSUM, MutationTaster) do not suggest a high likelihood of impact to the protein; however, this information is not predictive enough to rule out pathogenicity. The variant occurs outside of the splicing consensus sequence and in silico or computational prediction software programs (SpliceSiteFinder, MaxEntScan, NNSPLICE, GeneSplicer) do not predict a difference in splicing. In summary, based on the above information the clinical significance of this variant cannot be determined with certainty at this time although we would lean towards a more benign role for this variant. This variant is classified as likely benign.

Literature cited by the submitters: PubMed 33471991 (cited by Quest Diagnostics Nichols Institute San Juan Capistrano and Sema4); PubMed 31911673 (cited by Quest Diagnostics Nichols Institute San Juan Capistrano and Genetics and Molecular Pathology, SA Pathology); PubMed 30093976 (cited by Quest Diagnostics Nichols Institute San Juan Capistrano and Sema4); DOI 10.3389/fgene.2022.834265 (cited by National Health Laboratory Service, Universitas Academic Hospital and University of the Free State); PubMed 26225655 (cited by 4 submitters); PubMed 25186627 (cited by 4 submitters); PubMed 32393398 (cited by Sema4).

NM_000059.4(BRCA2):c.2488A>G (p.Asn830Asp)

Gene: BRCA2 (BRCA2 DNA repair associated; plus strand). Cytogenetic location: 13q13.1.
Variant type: single nucleotide variant.
Coding change: c.2488A>G on transcript NM_000059.4 (MANE Select); coding-DNA position 2488, A replaced by G.
Protein change: p.Asn830Asp; replaces asparagine 830 with aspartic acid.
Molecular consequence: missense variant.
Genome position (GRCh38, 1-based): chr13:32,336,843, A>G. VCF-style: chr13-32336843-A-G. GRCh37 (hg19) VCF-style: chr13-32910980-A-G.
Other names: NP_000050.3:p.Asn830Asp; short protein forms N830D.
Identifiers: ClinVar variation 142918 (VCV000142918.45), dbSNP rs574039421, ClinGen allele CA015446.